The following is an entry in ClinVar:

NM_032119.4(ADGRV1):c.7829T>C (p.Ile2610Thr)

Gene: ADGRV1 (adhesion G protein-coupled receptor V1; plus strand). Cytogenetic location: 5q14.3.
Variant type: single nucleotide variant.
Coding change: c.7829T>C on transcript NM_032119.4 (MANE Select); coding-DNA position 7829, T replaced by C.
Protein change: p.Ile2610Thr; replaces isoleucine 2610 with threonine.
Molecular consequence: missense variant. On other transcripts: non-coding transcript variant (1).
Genome position (GRCh38, 1-based): chr5:90,694,585, T>C. VCF-style: chr5-90694585-T-C. GRCh37 (hg19) VCF-style: chr5-89990402-T-C.
Other names: short protein forms I2610T.
Identifiers: ClinVar variation 499209 (VCV000499209.13), dbSNP rs752592613, ClinGen allele CA3340100.

ClinVar aggregate classification (germline): Uncertain significance. Review status: criteria provided, multiple submitters, no conflicts (2 of 4 stars). 4 submissions from 4 submitters: Uncertain significance (4). Last evaluated 2026-04-25.

Conditions:
ADGRV1-related disorder. Also called: ADGRV1-related disorders; ADGRV1-related condition.

Allele frequency attached by ClinVar (database versions not stated): gnomAD exomes below 0.00001 and 0.00001; ExAC 0.00001.
gnomAD v4.1: 2 of 1,613,858 alleles (0.00012%); highest among the groups gnomAD compares: Admixed American, 0.0033%; no homozygotes.

Submissions (4):

PreventionGenetics, part of Exact Sciences
Classification: Uncertain significance for ADGRV1-related condition. Last evaluated: 2026-04-25. Review status: criteria provided, single submitter. Criteria: ACMG Guidelines, 2015. Collection method: clinical testing. Allele origin: germline.
Comment: The ADGRV1 c.7829T>C variant is predicted to result in the amino acid substitution p.Ile2610Thr. To our knowledge, this variant has not been reported in the literature. This variant is reported in 0.0058% of alleles in individuals of Latino descent in gnomAD. At this time, the clinical significance of this variant is uncertain due to the absence of conclusive functional and genetic evidence.

GeneDx
Classification: Uncertain significance. Last evaluated: 2026-04-20. Review status: criteria provided, single submitter. Criteria: GeneDx Variant Classification Process June 2021. Collection method: clinical testing. Allele origin: germline.
Comment: Not observed at significant frequency in large population cohorts (gnomAD); In silico analysis supports that this missense variant has a deleterious effect on protein structure/function; Has not been previously published as pathogenic or benign to our knowledge

Labcorp Genetics (formerly Invitae), Labcorp
Classification: Uncertain significance. Last evaluated: 2021-08-27. Review status: criteria provided, single submitter. Criteria: Invitae Variant Classification Sherloc (09022015). Collection method: clinical testing. Allele origin: germline.
Comment: This sequence change replaces isoleucine with threonine at codon 2610 of the ADGRV1 protein (p.Ile2610Thr). The isoleucine residue is highly conserved and there is a moderate physicochemical difference between isoleucine and threonine. This variant is present in population databases (rs752592613, ExAC 0.009%). This variant has not been reported in the literature in individuals affected with ADGRV1-related conditions. Algorithms developed to predict the effect of missense changes on protein structure and function are either unavailable or do not agree on the potential impact of this missense change (SIFT: "Deleterious"; PolyPhen-2: "Benign"; Align-GVGD: "Class C0"). In summary, the available evidence is currently insufficient to determine the role of this variant in disease. Therefore, it has been classified as a Variant of Uncertain Significance.

Eurofins Ntd Llc (ga)
Classification: Uncertain significance. Last evaluated: 2017-01-06. Review status: criteria provided, single submitter. Criteria: EGL Classification Definitions 2015. Collection method: clinical testing. Allele origin: germline. Observed: 1 variant allele, 1 heterozygote.